The following is an entry in ClinVar:

NM_004036.5(ADCY3):c.2849G>A (p.Arg950His)

Gene: ADCY3 (adenylate cyclase 3; minus strand). Cytogenetic location: 2p23.3.
Variant type: single nucleotide variant.
Coding change: c.2849G>A on transcript NM_004036.5 (MANE Select); coding-DNA position 2849, G replaced by A.
Protein change: p.Arg950His; replaces arginine 950 with histidine.
Molecular consequence: missense variant. On other transcripts: intron variant (1).
Genome position (GRCh38, 1-based): chr2:24,823,243, C>T on the plus strand (G>A on the coding strand, the complement: ADCY3 is on the minus strand). VCF-style: chr2-24823243-C-T. GRCh37 (hg19) VCF-style: chr2-25046112-C-T.
Other names: c.2852G>A, p.Arg951His (NM_001320613.2); c.2915G>A, p.Arg972His (NM_001377128.1); c.2711G>A, p.Arg904His (NM_001377129.1); c.2126G>A, p.Arg709His (NM_001377131.1); c.2849G>A, p.Arg950His (NM_001377132.1); c.2332-613G>A (NM_001377130.1); short protein forms R709H, R904H, R950H, R951H, R972H.
Identifiers: ClinVar variation 3358266 (VCV003358266.1).
Genomic context (GRCh38, chr2:24,823,243, plus strand): 5'-GAGTGCAGGGTGGGATGGGCACTCACAGAGTCAAAATCTGAGATGATTTCATTGAGGAAA[C>T]GCAGACACTCAATACCACCATTGTTGATGCTCTCCTCTGTGTAGAAGTCAGCAAAGTTGG-3'
Protein context (NP_004027.2, residues 940-960): SINNGGIECL[Arg950His]FLNEIISDFD

ClinVar aggregate classification (germline): Uncertain significance (0 of 4 stars; one submission).

Conditions:
ADCY3-related disorder. Also called: ADCY3-related condition.

gnomAD v4.1: 11 of 1,613,134 alleles (0.00068%); highest among the groups gnomAD compares: African/African-American, 0.0013%; no homozygotes.

Submission:

PreventionGenetics, part of Exact Sciences
Classification: Uncertain significance for ADCY3-related condition. Last evaluated: 2024-04-13. Review status: no assertion criteria provided. Collection method: clinical testing. Allele origin: germline.
Comment: The ADCY3 c.2852G>A variant is predicted to result in the amino acid substitution p.Arg951His. To our knowledge, this variant has not been reported in the literature. This variant is reported in 0.0080% of alleles in individuals of African descent in gnomAD. At this time, the clinical significance of this variant is uncertain due to the absence of conclusive functional and genetic evidence.